The following is an entry in ClinVar:

ClinVar aggregate classification (germline): Conflicting classifications of pathogenicity. Review status: criteria provided, conflicting classifications (1 of 4 stars). 2 submissions from 2 submitters: Uncertain significance (1); Likely benign (1). Last evaluated 2025-09-09.

Conditions:
Combined immunodeficiency due to OX40 deficiency. Also called: OX40 DEFICIENCY; Immunodeficiency 16. Identifiers: Orphanet 431149, MedGen C3810053, MONDO:0014268, OMIM 615593.

gnomAD v4.1: 26 of 1,581,886 alleles (0.0016%); highest among the groups gnomAD compares: African/African-American, 0.012%; no homozygotes.

Submissions (2):

Labcorp Genetics (formerly Invitae), Labcorp
Classification: Uncertain significance for Combined immunodeficiency due to OX40 deficiency. Last evaluated: 2025-09-09. Review status: criteria provided, single submitter. Criteria: Invitae Variant Classification Sherloc (09022015). Collection method: clinical testing. Allele origin: germline.
Comment: This sequence change replaces arginine, which is basic and polar, with glutamine, which is neutral and polar, at codon 6 of the TNFRSF4 protein (p.Arg6Gln). The frequency data for this variant in the population databases is considered unreliable, as metrics indicate poor data quality at this position in the gnomAD database. This variant has not been reported in the literature in individuals affected with TNFRSF4-related conditions. ClinVar contains an entry for this variant (Variation ID: 3971409). An algorithm developed to predict the effect of missense changes on protein structure and function outputs the following: PolyPhen-2: "Not Available". The glutamine amino acid residue is found in multiple mammalian species, which suggests that this missense change does not adversely affect protein function. In summary, the available evidence is currently insufficient to determine the role of this variant in disease. Therefore, it has been classified as a Variant of Uncertain Significance.

Ambry Genetics
Classification: Likely benign. Last evaluated: 2025-04-10. Review status: criteria provided, single submitter. Criteria: Ambry Variant Classification Scheme 2023. Collection method: clinical testing. Allele origin: germline.

NM_003327.4(TNFRSF4):c.17G>A (p.Arg6Gln)

Gene: TNFRSF4 (TNF receptor superfamily member 4; minus strand). Cytogenetic location: 1p36.33.
Variant type: single nucleotide variant.
Coding change: c.17G>A on transcript NM_003327.4 (MANE Select); coding-DNA position 17, G replaced by A.
Protein change: p.Arg6Gln; replaces arginine 6 with glutamine.
Molecular consequence: missense variant.
Genome position (GRCh38, 1-based): chr1:1,214,111, C>T on the plus strand (G>A on the coding strand, the complement: TNFRSF4 is on the minus strand). VCF-style: chr1-1214111-C-T. GRCh37 (hg19) VCF-style: chr1-1149491-C-T.
Other names: c.17G>A, p.Arg6Gln (NM_001410709.1); short protein forms R6Q.
Identifiers: ClinVar variation 3971409 (VCV003971409.2).
Genomic context (GRCh38, chr1:1,214,111, plus strand): 5'-ACGGTGCTCAGCCCCAGGCCCAGGAGGAGCAGAGCCGCACACGGCCCGCGGCCCAGCCGC[C>T]GAGCCCCCACGCACATCCTCGTCTCTGCTGTCGCCAGAGTCTGGGTTTTCCTTGCGGGGT-3'
Protein context (NP_003318.1, residues 1-16): MCVGA[Arg6Gln]RLGRGPCAAL